The following is an entry in ClinVar:

NM_016608.2(ARMCX1):c.1299A>G (p.Ala433=)

Gene: ARMCX1 (armadillo repeat containing X-linked 1; plus strand). Cytogenetic location: Xq22.1.
Variant type: single nucleotide variant.
Coding change: c.1299A>G on transcript NM_016608.2 (MANE Select); coding-DNA position 1299, A replaced by G.
Protein change: p.Ala433=; no amino-acid change (alanine 433 retained).
Molecular consequence: synonymous variant.
Genome position (GRCh38, 1-based): chrX:101,554,229, A>G. VCF-style: chrX-101554229-A-G. GRCh37 (hg19) VCF-style: chrX-100809212-A-G.
Identifiers: ClinVar variation 2661065 (VCV002661065.24), dbSNP rs147231157, ClinGen allele CA10473931.

ClinVar aggregate classification (germline): Likely benign (1 of 4 stars; one submission).

Allele frequency attached by ClinVar (database versions not stated): gnomAD exomes 0.00066; ExAC 0.00035; TOPMed 0.00036; ESP Exome Variant Server 0.00038; gnomAD 0.00038.
gnomAD v4.1: 754 of 1,202,103 alleles (0.063%); highest among the groups gnomAD compares: Non-Finnish European, 0.077%; no homozygotes.

Submission:

CeGaT Center for Human Genetics Tuebingen
Classification: Likely benign. Last evaluated: 2022-08-01. Review status: criteria provided, single submitter. Criteria: CeGaT Center For Human Genetics Tuebingen Variant Classification Criteria Version 2. Collection method: clinical testing. Allele origin: germline. Affected: yes. Observed: 1 variant allele.
Comment: ARMCX1: BP4, BP7